The following is an entry in ClinVar:

NM_004341.5(CAD):c.6469G>A (p.Glu2157Lys)

Genes: CAD (carbamoyl-phosphate synthetase 2, aspartate transcarbamylase, and dihydroorotase; plus strand), LOC126806172 (CDK7 strongly-dependent group 2 enhancer GRCh37_chr2:27465505-27466704; plus strand). Cytogenetic location: 2p23.3.
Variant type: single nucleotide variant.
Coding change: c.6469G>A on transcript NM_004341.5 (MANE Select); coding-DNA position 6469, G replaced by A.
Protein change: p.Glu2157Lys; replaces glutamic acid 2157 with lysine.
Molecular consequence: missense variant.
Genome position (GRCh38, 1-based): chr2:27,242,962, G>A. VCF-style: chr2-27242962-G-A. GRCh37 (hg19) VCF-style: chr2-27465830-G-A.
Other names: c.6280G>A, p.Glu2094Lys (NM_001306079.2); short protein forms E2094K, E2157K.
Identifiers: ClinVar variation 1996245 (VCV001996245.3), dbSNP rs1435281530, ClinGen allele CA346225120.

ClinVar aggregate classification (germline): Uncertain significance (1 of 4 stars; one submission).

Allele frequency attached by ClinVar (database versions not stated): gnomAD exomes below 0.00001.
gnomAD v4.1: 3 of 1,600,972 alleles (0.00019%); highest among the groups gnomAD compares: South Asian, 0.0033%; no homozygotes.

Submissions (2):

Labcorp Genetics (formerly Invitae), Labcorp
Classification: Uncertain significance. Last evaluated: 2025-02-03. Review status: criteria provided, single submitter. Criteria: Invitae Variant Classification Sherloc (09022015). Collection method: clinical testing. Allele origin: germline.
Comment: This sequence change replaces glutamic acid, which is acidic and polar, with lysine, which is basic and polar, at codon 2157 of the CAD protein (p.Glu2157Lys). This variant is present in population databases (no rsID available, gnomAD 0.003%). This variant has not been reported in the literature in individuals affected with CAD-related conditions. ClinVar contains an entry for this variant (Variation ID: 1996245). An algorithm developed to predict the effect of missense changes on protein structure and function (PolyPhen-2) suggests that this variant is likely to be disruptive. In summary, the available evidence is currently insufficient to determine the role of this variant in disease. Therefore, it has been classified as a Variant of Uncertain Significance.

Dr. Peter K. Rogan Lab, Western University
No classification provided (evidence only). Condition: Cervical cancer. Review status: no classification provided. Collection method: in vitro. Allele origin: not applicable. Functional consequence: retained intron. Not counted in ClinVar's aggregate classification.